The following is an entry in ClinVar:

NM_014915.3(ANKRD26):c.4086-3C>A

Gene: ANKRD26 (ankyrin repeat domain 26; minus strand). Cytogenetic location: 10p12.1.
Variant type: single nucleotide variant.
Coding change: c.4086-3C>A on transcript NM_014915.3 (MANE Select); 3 bases into the intron before coding-DNA position 4086, C replaced by A.
Molecular consequence: intron variant.
Genome position (GRCh38, 1-based): chr10:27,022,690, G>T on the plus strand (C>A on the coding strand, the complement: ANKRD26 is on the minus strand). VCF-style: chr10-27022690-G-T. GRCh37 (hg19) VCF-style: chr10-27311619-G-T.
Other names: c.4083-3C>A (NM_001256053.2).
Identifiers: ClinVar variation 2833308 (VCV002833308.3), dbSNP rs777578418, ClinGen allele CA2739265326.

ClinVar aggregate classification (germline): Uncertain significance (1 of 4 stars; one submission).

Submission:

Labcorp Genetics (formerly Invitae), Labcorp
Classification: Uncertain significance. Last evaluated: 2023-01-31. Review status: criteria provided, single submitter. Criteria: Invitae Variant Classification Sherloc (09022015). Collection method: clinical testing. Allele origin: germline.
Comment: In summary, the available evidence is currently insufficient to determine the role of this variant in disease. Therefore, it has been classified as a Variant of Uncertain Significance. Variants that disrupt the consensus splice site are a relatively common cause of aberrant splicing (PMID: 17576681, 9536098). Algorithms developed to predict the effect of sequence changes on RNA splicing suggest that this variant may disrupt the consensus splice site. This variant has not been reported in the literature in individuals affected with ANKRD26-related conditions. This variant is not present in population databases (gnomAD no frequency). This sequence change falls in intron 28 of the ANKRD26 gene. It does not directly change the encoded amino acid sequence of the ANKRD26 protein. It affects a nucleotide within the consensus splice site.

Literature cited by the submitters: PubMed 17576681; PubMed 9536098.